The following is an entry in ClinVar:

NM_002137.4(HNRNPA2B1):c.476-3del

Gene: HNRNPA2B1 (heterogeneous nuclear ribonucleoprotein A2/B1; minus strand). Cytogenetic location: 7p15.2.
Variant type: Deletion.
Coding change: c.476-3del on transcript NM_002137.4 (MANE Select); 3 bases into the intron before coding-DNA position 476, one base deleted (C; older notation c.476-3delC).
Molecular consequence: intron variant.
Genome position (GRCh38, 1-based): chr7:26,196,661, G deleted on the plus strand (C on the coding strand, the reverse complement: HNRNPA2B1 is on the minus strand); the first of 2 consecutive G bases (chr7:26,196,661-26,196,662); deleting either gives the same sequence. VCF-style (leftmost placement, unchanged base first): chr7-26196660-TG-T. GRCh37 (hg19) VCF-style: chr7-26236280-TG-T.
Other names: c.476-3del (NM_001438578.1, NM_001438576.1, NM_001438575.1 and 4 more transcripts); c.512-3del (NM_001438574.1, NM_001438573.1, NM_001438568.1 and 3 more transcripts).
Identifiers: ClinVar variation 1516950 (VCV001516950.6), dbSNP rs761023632, ClinGen allele CA4194617.

ClinVar aggregate classification (germline): Uncertain significance (1 of 4 stars; one submission).

Conditions:
Inclusion body myopathy with early-onset Paget disease with or without frontotemporal dementia 2 (IBMPFD2). Also called: MULTISYSTEM PROTEINOPATHY 2. Identifiers: MedGen C3809468, MONDO:0014178, OMIM 615422.

Submission:

Labcorp Genetics (formerly Invitae), Labcorp
Classification: Uncertain significance for Inclusion body myopathy with early-onset Paget disease with or without frontotemporal dementia 2. Last evaluated: 2021-07-04. Review status: criteria provided, single submitter. Criteria: Invitae Variant Classification Sherloc (09022015). Collection method: clinical testing. Allele origin: germline.
Comment: This sequence change falls in intron 5 of the HNRNPA2B1 gene. It does not directly change the encoded amino acid sequence of the HNRNPA2B1 protein. This variant is present in population databases (rs761023632, ExAC 0.001%). This variant has not been reported in the literature in individuals affected with HNRNPA2B1-related conditions. Algorithms developed to predict the effect of sequence changes on RNA splicing suggest that this variant may disrupt the consensus splice site. In summary, the available evidence is currently insufficient to determine the role of this variant in disease. Therefore, it has been classified as a Variant of Uncertain Significance.